The following is an entry in ClinVar:

ClinVar aggregate classification (germline): Likely benign (1 of 4 stars; one submission).

gnomAD v4.1: 16 of 1,208,583 alleles (0.0013%); highest among the groups gnomAD compares: Middle Eastern, 0.023%; no homozygotes.

Submission:

CeGaT Center for Human Genetics Tuebingen
Classification: Likely benign. Last evaluated: 2024-11-01. Review status: criteria provided, single submitter. Criteria: CeGaT Center For Human Genetics Tuebingen Variant Classification Criteria Version 2. Collection method: clinical testing. Allele origin: germline. Affected: yes. Observed: 1 variant allele.
Comment: MAOA: BP4, BS2

NM_000240.4(MAOA):c.1576C>T (p.Arg526Trp)

Gene: MAOA (monoamine oxidase A; plus strand). Cytogenetic location: Xp11.3.
Variant type: single nucleotide variant.
Coding change: c.1576C>T on transcript NM_000240.4 (MANE Select); coding-DNA position 1576, C replaced by T.
Protein change: p.Arg526Trp; replaces arginine 526 with tryptophan.
Molecular consequence: missense variant.
Genome position (GRCh38, 1-based): chrX:43,744,505, C>T. VCF-style: chrX-43744505-C-T. GRCh37 (hg19) VCF-style: chrX-43603752-C-T.
Other names: c.1177C>T, p.Arg393Trp (NM_001270458.2); short protein forms R393W, R526W.
Identifiers: ClinVar variation 3389513 (VCV003389513.14).